The following is an entry in ClinVar:

NM_004369.4(COL6A3):c.6310-2A>G

Genes: COL6A3 (collagen type VI alpha 3 chain; minus strand), LOC122889011 (Sharpr-MPRA regulatory region 1020; plus strand). Cytogenetic location: 2q37.3.
Variant type: single nucleotide variant.
Coding change: c.6310-2A>G on transcript NM_004369.4 (MANE Select); the canonical splice acceptor site of the intron before coding-DNA position 6310, A replaced by G.
Molecular consequence: splice acceptor variant.
Genome position (GRCh38, 1-based): chr2:237,359,252, T>C on the plus strand (A>G on the coding strand, the complement: COL6A3 is on the minus strand). VCF-style: chr2-237359252-T-C. GRCh37 (hg19) VCF-style: chr2-238267895-T-C.
Other names: c.4489-2A>G (NM_057166.5); c.5692-2A>G (NM_057167.4).
Identifiers: ClinVar variation 571080 (VCV000571080.14), dbSNP rs1559225993, ClinGen allele CA351216186.
Genomic context (GRCh38, chr2:237,359,252, plus strand): 5'-GTAAAATCACTTACATCTTCACCATCCAGACCATCCAGTCCAATTTCTCCTACTTCGCCC[T>C]AAGAGGGAATAAGGCGGACAGGTAAGTATAGAAAGCTATTCTGGCAAAGGAAGAAATGAG-3'

ClinVar aggregate classification (germline): Pathogenic/Likely pathogenic. Review status: criteria provided, multiple submitters, no conflicts (2 of 4 stars). 3 submissions from 3 submitters: Pathogenic (2); Likely pathogenic (1). Last evaluated 2025-05-21.

Conditions:
Ullrich congenital muscular dystrophy 1A. Also called: Ullrich congenital muscular dystrophy 1; Intermediate COL6-RD. Identifiers: Orphanet 75840, MedGen C0410179, MONDO:0009681, OMIM 254090.
Bethlem myopathy 1A. Also called: Bethlem myopathy 1; MYOPATHY, BENIGN CONGENITAL, WITH CONTRACTURES; Bethlem Muscular Dystrophy. Identifiers: Orphanet 610, MedGen CN029274, MONDO:0024530, OMIM 158810.

Submissions (3):

Labcorp Genetics (formerly Invitae), Labcorp
Classification: Pathogenic for Bethlem myopathy 1A. Last evaluated: 2025-05-21. Review status: criteria provided, single submitter. Criteria: Invitae Variant Classification Sherloc (09022015). Collection method: clinical testing. Allele origin: germline.
Comment: This sequence change affects an acceptor splice site in intron 18 of the COL6A3 gene. It is expected to disrupt RNA splicing. Variants that disrupt the donor or acceptor splice site typically lead to a loss of protein function (PMID: 16199547), and loss-of-function variants in COL6A3 are known to be disease-causing for autosomal recessive COL6A3-related conditions (PMID: 21280092, 20976770). However, certain variants affecting donor or acceptor splice sites in the triple helical domain of COL6A3 are expected to result in in-frame exon skipping and have been reported to cause autosomal dominant COL6A3-related conditions (PMID: 18366090). This variant is not present in population databases (gnomAD no frequency). Disruption of this splice site has been observed in individuals with clinical features of autosomal dominant type VI collagenopathy (PMID: 23572247; internal data). It has also been observed to segregate with disease in related individuals. ClinVar contains an entry for this variant (Variation ID: 571080). Algorithms developed to predict the effect of sequence changes on RNA splicing suggest that this variant may disrupt the consensus splice site. For these reasons, this variant has been classified as Pathogenic.

Revvity Omics, Revvity
Classification: Likely pathogenic. Last evaluated: 2019-03-29. Review status: criteria provided, single submitter. Criteria: ACMG Guidelines, 2015. Collection method: clinical testing. Allele origin: germline.

Neuberg Centre For Genomic Medicine, NCGM
Classification: Pathogenic for Ullrich congenital muscular dystrophy 1A. Review status: criteria provided, single submitter. Criteria: ACMG Guidelines, 2015. Collection method: clinical testing. Allele origin: germline. Inheritance: Autosomal dominant inheritance. Affected: yes.
Comment: The splice acceptor variant c.6310-2A>G in COL6A3 gene has been previously observed in individual(s) with clinical features of autosomal dominant type VI collagenopathy (Yonekawa et al. 2013). This sequence change affects an acceptor splice site in intron 18 of the COL6A3 gene. It is expected to disrupt RNA splicing and likely results in an absent or disrupted protein product. However, this individual also carried a different splice acceptor on the same chromosome (in cis) that was also de novo (Shimomura et al. 2019). Donor and acceptor splice site variants typically lead to a loss of protein function (Baralle et al. 2005), and lossof-function variants in COL6A3 are known to be pathogenic (Briñas et al. 2010). In addition, donor and acceptor splice site variants in COL6A3 that result in inframe exon skipping have also been reported to cause autosomal dominant COL6A3-related conditions (Lampe et al. 2008). This variant has been reported to the ClinVar database with conflicting interpretations of pathogenicity as Pathogenic/Likely Pathogenic. The variant is novel (not in any individuals) in gnomAD Exomes and 1000 Genomes. The nucleotide change in COL6A3 is predicted as conserved by GERP++ and PhyloP across 100 vertebrates. For these reasons, this variant has been classified as Pathogenic.

Literature cited by the submitters: PubMed 16199547 (cited by Labcorp Genetics (formerly Invitae), Labcorp); PubMed 21280092 (cited by Labcorp Genetics (formerly Invitae), Labcorp); PubMed 20976770 (cited by Labcorp Genetics (formerly Invitae), Labcorp); PubMed 18366090 (cited by Labcorp Genetics (formerly Invitae), Labcorp); PubMed 23572247 (cited by Labcorp Genetics (formerly Invitae), Labcorp).